The following is an entry in ClinVar:

NM_021076.4(NEFH):c.559G>T (p.Asp187Tyr)

Gene: NEFH (neurofilament heavy chain; plus strand). Cytogenetic location: 22q12.2.
Variant type: single nucleotide variant.
Coding change: c.559G>T on transcript NM_021076.4 (MANE Select); coding-DNA position 559, G replaced by T.
Protein change: p.Asp187Tyr; replaces aspartic acid 187 with tyrosine.
Molecular consequence: missense variant.
Genome position (GRCh38, 1-based): chr22:29,480,821, G>T. VCF-style: chr22-29480821-G-T. GRCh37 (hg19) VCF-style: chr22-29876810-G-T.
Other names: short protein forms D187Y.
Identifiers: ClinVar variation 3611068 (VCV003611068.2).

ClinVar aggregate classification (germline): Uncertain significance (1 of 4 stars; one submission).

Submission:

Labcorp Genetics (formerly Invitae), Labcorp
Classification: Uncertain significance. Last evaluated: 2024-04-25. Review status: criteria provided, single submitter. Criteria: Invitae Variant Classification Sherloc (09022015). Collection method: clinical testing. Allele origin: germline.
Comment: This sequence change replaces aspartic acid, which is acidic and polar, with tyrosine, which is neutral and polar, at codon 187 of the NEFH protein (p.Asp187Tyr). This variant is not present in population databases (gnomAD no frequency). This variant has not been reported in the literature in individuals affected with NEFH-related conditions. Advanced modeling of protein sequence and biophysical properties (such as structural, functional, and spatial information, amino acid conservation, physicochemical variation, residue mobility, and thermodynamic stability) performed at Invitae indicates that this missense variant is not expected to disrupt NEFH protein function with a negative predictive value of 95%. In summary, the available evidence is currently insufficient to determine the role of this variant in disease. Therefore, it has been classified as a Variant of Uncertain Significance.